The following is an entry in ClinVar:

NM_015378.4(VPS13D):c.5197C>T (p.Pro1733Ser)

Gene: VPS13D (vacuolar protein sorting 13 homolog D; plus strand). Cytogenetic location: 1p36.22.
Variant type: single nucleotide variant.
Coding change: c.5197C>T on transcript NM_015378.4 (MANE Select); coding-DNA position 5197, C replaced by T.
Protein change: p.Pro1733Ser; replaces proline 1733 with serine.
Molecular consequence: missense variant.
Genome position (GRCh38, 1-based): chr1:12,283,299, C>T. VCF-style: chr1-12283299-C-T. GRCh37 (hg19) VCF-style: chr1-12343356-C-T.
Other names: c.5197C>T, p.Pro1733Ser (NM_018156.4); short protein forms P1733S.
Identifiers: ClinVar variation 2050903 (VCV002050903.4), dbSNP rs2524054629, ClinGen allele CA338483000.

ClinVar aggregate classification (germline): Uncertain significance (1 of 4 stars; one submission).

Allele frequency attached by ClinVar (database versions not stated): gnomAD exomes below 0.00001.
gnomAD v4.1: 1 of 1,614,132 alleles (0.000062%); highest among the groups gnomAD compares: Admixed American, 0.0017%; no homozygotes.

Submission:

Labcorp Genetics (formerly Invitae), Labcorp
Classification: Uncertain significance. Last evaluated: 2024-10-15. Review status: criteria provided, single submitter. Criteria: Invitae Variant Classification Sherloc (09022015). Collection method: clinical testing. Allele origin: germline.
Comment: This sequence change replaces proline, which is neutral and non-polar, with serine, which is neutral and polar, at codon 1733 of the VPS13D protein (p.Pro1733Ser). This variant is not present in population databases (gnomAD no frequency). This variant has not been reported in the literature in individuals affected with VPS13D-related conditions. ClinVar contains an entry for this variant (Variation ID: 2050903). Invitae Evidence Modeling of protein sequence and biophysical properties (such as structural, functional, and spatial information, amino acid conservation, physicochemical variation, residue mobility, and thermodynamic stability) indicates that this missense variant is not expected to disrupt VPS13D protein function with a negative predictive value of 80%. In summary, the available evidence is currently insufficient to determine the role of this variant in disease. Therefore, it has been classified as a Variant of Uncertain Significance.